The following is an entry in ClinVar:

ClinVar aggregate classification (germline): Uncertain significance. Review status: criteria provided, multiple submitters, no conflicts (2 of 4 stars). 2 submissions from 2 submitters: Uncertain significance (2). Last evaluated 2024-06-09.

Conditions:
Wilms tumor 1 (WT1). Also called: Wilms tumor, somatic. Identifiers: Orphanet 654, MedGen CN033288, MONDO:0008679, OMIM 194070.
Simpson-Golabi-Behmel syndrome type 1 (SGBS1). Also called: GPC3-Related Simpson-Golabi-Behmel Syndrome Type 1; BULLDOG SYNDROME; DYSPLASIA GIGANTISM SYNDROME, X-LINKED; GOLABI-ROSEN SYNDROME; SIMPSON DYSMORPHIA SYNDROME. Identifiers: Orphanet 373, MedGen C0796154, MONDO:0020602, OMIM 312870.

Allele frequency attached by ClinVar (database versions not stated): gnomAD 0.00001.
gnomAD v4.1: 1 of 1,198,970 alleles (0.000083%); highest among the groups gnomAD compares: Admixed American, 0.0022%; no homozygotes.

Submissions (2):

Fulgent Genetics
Classification: Uncertain significance for Wilms tumor 1; Simpson-Golabi-Behmel syndrome type 1. Last evaluated: 2024-06-09. Review status: criteria provided, single submitter. Criteria: ACMG Guidelines, 2015. Collection method: clinical testing. Allele origin: germline.

Labcorp Genetics (formerly Invitae), Labcorp
Classification: Uncertain significance for Wilms tumor 1. Last evaluated: 2023-03-20. Review status: criteria provided, single submitter. Criteria: Invitae Variant Classification Sherloc (09022015). Collection method: clinical testing. Allele origin: germline.
Comment: This sequence change replaces aspartic acid, which is acidic and polar, with glycine, which is neutral and non-polar, at codon 529 of the GPC3 protein (p.Asp529Gly). This variant is not present in population databases (gnomAD no frequency). This variant has not been reported in the literature in individuals affected with GPC3-related conditions. An algorithm developed to predict the effect of missense changes on protein structure and function (PolyPhen-2) suggests that this variant is likely to be disruptive. In summary, the available evidence is currently insufficient to determine the role of this variant in disease. Therefore, it has been classified as a Variant of Uncertain Significance.

NM_004484.4(GPC3):c.1586A>G (p.Asp529Gly)

Gene: GPC3 (glypican 3; minus strand). Cytogenetic location: Xq26.2.
Variant type: single nucleotide variant.
Coding change: c.1586A>G on transcript NM_004484.4 (MANE Select); coding-DNA position 1586, A replaced by G.
Protein change: p.Asp529Gly; replaces aspartic acid 529 with glycine.
Molecular consequence: missense variant.
Genome position (GRCh38, 1-based): chrX:133,536,281, T>C on the plus strand (A>G on the coding strand, the complement: GPC3 is on the minus strand). VCF-style: chrX-133536281-T-C. GRCh37 (hg19) VCF-style: chrX-132670309-T-C.
Other names: c.1655A>G, p.Asp552Gly (NM_001164617.2); c.1538A>G, p.Asp513Gly (NM_001164618.2); c.1424A>G, p.Asp475Gly (NM_001164619.2); short protein forms D475G, D552G, D513G, D529G.
Identifiers: ClinVar variation 2914950 (VCV002914950.4), dbSNP rs2069291174, ClinGen allele CA414703223.